The following is an entry in ClinVar:

NM_000341.4(SLC3A1):c.1612G>A (p.Val538Ile)

Gene: SLC3A1 (solute carrier family 3 member 1; plus strand). Cytogenetic location: 2p21.
Variant type: single nucleotide variant.
Coding change: c.1612G>A on transcript NM_000341.4 (MANE Select); coding-DNA position 1612, G replaced by A.
Protein change: p.Val538Ile; replaces valine 538 with isoleucine.
Molecular consequence: missense variant.
Genome position (GRCh38, 1-based): chr2:44,313,946, G>A. VCF-style: chr2-44313946-G-A. GRCh37 (hg19) VCF-style: chr2-44541085-G-A.
Other names: short protein forms V538I.
Identifiers: ClinVar variation 2144516 (VCV002144516.5), dbSNP rs767054890, ClinGen allele CA1640648.

ClinVar aggregate classification (germline): Uncertain significance. Review status: criteria provided, multiple submitters, no conflicts (2 of 4 stars). 2 submissions from 2 submitters: Uncertain significance (2). Last evaluated 2024-02-25.

Conditions:
Cystinuria (CSNU). Also called: CYSTINURIA, TYPE I; CYSTINURIA, TYPE II; CYSTINURIA, TYPE III; Cystinuria, non-type I. Identifiers: Orphanet 214, MedGen C0010691, MONDO:0009067, OMIM 220100, HP:0003131.

Allele frequency attached by ClinVar (database versions not stated): ExAC 0.00001; gnomAD exomes 0.00003; gnomAD 0.00005; TOPMed 0.00012.
gnomAD v4.1: 30 of 1,613,922 alleles (0.0019%); highest among the groups gnomAD compares: Admixed American, 0.017%; no homozygotes.

Submissions (2):

Fulgent Genetics
Classification: Uncertain significance for Cystinuria. Last evaluated: 2024-02-25. Review status: criteria provided, single submitter. Criteria: ACMG Guidelines, 2015. Collection method: clinical testing. Allele origin: germline.

Labcorp Genetics (formerly Invitae), Labcorp
Classification: Uncertain significance for Cystinuria. Last evaluated: 2022-06-29. Review status: criteria provided, single submitter. Criteria: Invitae Variant Classification Sherloc (09022015). Collection method: clinical testing. Allele origin: germline.
Comment: In summary, the available evidence is currently insufficient to determine the role of this variant in disease. Therefore, it has been classified as a Variant of Uncertain Significance. Algorithms developed to predict the effect of missense changes on protein structure and function are either unavailable or do not agree on the potential impact of this missense change (SIFT: "Tolerated"; PolyPhen-2: "Probably Damaging"; Align-GVGD: "Class C0"). This variant has not been reported in the literature in individuals affected with SLC3A1-related conditions. This variant is present in population databases (rs767054890, gnomAD 0.02%). This sequence change replaces valine, which is neutral and non-polar, with isoleucine, which is neutral and non-polar, at codon 538 of the SLC3A1 protein (p.Val538Ile).